The following is an entry in ClinVar:

NM_000057.4(BLM):c.1570G>A (p.Val524Ile)

Gene: BLM (BLM RecQ like helicase; plus strand). Cytogenetic location: 15q26.1.
Variant type: single nucleotide variant.
Coding change: c.1570G>A on transcript NM_000057.4 (MANE Select); coding-DNA position 1570, G replaced by A.
Protein change: p.Val524Ile; replaces valine 524 with isoleucine.
Molecular consequence: missense variant.
Genome position (GRCh38, 1-based): chr15:90,760,943, G>A. VCF-style: chr15-90760943-G-A. GRCh37 (hg19) VCF-style: chr15-91304173-G-A.
Other names: c.1570G>A, p.Val524Ile (NM_001287246.2, NM_001287247.2); c.445G>A, p.Val149Ile (NM_001287248.2); short protein forms V149I, V524I.
Identifiers: ClinVar variation 4211666 (VCV004211666.1).

ClinVar aggregate classification (germline): Uncertain significance (1 of 4 stars; one submission).

Conditions:
Hereditary cancer-predisposing syndrome. Also called: Neoplastic Syndromes, Hereditary; Tumor predisposition; Hereditary Cancer Syndrome; Hereditary neoplastic syndrome. Identifiers: Orphanet 140162, MedGen C0027672, MeSH D009386, MONDO:0015356.

Submission:

Ambry Genetics
Classification: Uncertain significance for Hereditary cancer-predisposing syndrome. Last evaluated: 2025-07-03. Review status: criteria provided, single submitter. Criteria: Ambry Variant Classification Scheme 2023. Collection method: clinical testing. Allele origin: germline.
Comment: The p.V524I variant (also known as c.1570G>A), located in coding exon 6 of the BLM gene, results from a G to A substitution at nucleotide position 1570. The valine at codon 524 is replaced by isoleucine, an amino acid with highly similar properties. This amino acid position is conserved. In addition, this alteration is predicted to be tolerated by in silico analysis. Based on the available evidence, the clinical significance of this variant remains unclear.